The following is an entry in ClinVar:

NM_000297.4(PKD2):c.2585C>T (p.Ala862Val)

Gene: PKD2 (polycystin 2, transient receptor potential cation channel; plus strand). Cytogenetic location: 4q22.1.
Variant type: single nucleotide variant.
Coding change: c.2585C>T on transcript NM_000297.4 (MANE Select); coding-DNA position 2585, C replaced by T.
Protein change: p.Ala862Val; replaces alanine 862 with valine.
Molecular consequence: missense variant. On other transcripts: non-coding transcript variant (1).
Genome position (GRCh38, 1-based): chr4:88,074,874, C>T. VCF-style: chr4-88074874-C-T. GRCh37 (hg19) VCF-style: chr4-88996026-C-T.
Other names: c.2585C>T (NM_000297.3); short protein forms A862V.
Identifiers: ClinVar variation 1365712 (VCV001365712.12), dbSNP rs767919784, ClinGen allele CA3004298.

ClinVar aggregate classification (germline): Uncertain significance. Review status: criteria provided, multiple submitters, no conflicts (2 of 4 stars). 4 submissions from 4 submitters: Uncertain significance (4). Last evaluated 2026-08-10.

Conditions:
PKD2-related disorder. Also called: PKD2-related condition.
Inborn genetic diseases. Identifiers: MedGen C0950123, MeSH D030342.
Polycystic kidney disease 2 (PKD2). Also called: Polycystic Kidney Disease 2, Autosomal Dominant; POLYCYSTIC KIDNEY DISEASE 2 WITH OR WITHOUT POLYCYSTIC LIVER DISEASE; POLYCYSTIC KIDNEY DISEASE, ADULT, TYPE II. Identifiers: MedGen C2751306, MONDO:0013131, OMIM 613095.
Autosomal dominant polycystic kidney disease. Identifiers: Orphanet 730, MedGen C0085413, MONDO:0004691.

Allele frequency attached by ClinVar (database versions not stated): ExAC 0.00001; gnomAD 0.00001; gnomAD exomes 0.00001.
gnomAD v4.1: 3 of 1,613,948 alleles (0.00019%); highest among the groups gnomAD compares: Admixed American, 0.005%; no homozygotes.

Submissions (4):

PreventionGenetics, part of Exact Sciences
Classification: Uncertain significance for PKD2-related condition. Last evaluated: 2026-08-10. Review status: criteria provided, single submitter. Criteria: ACMG Guidelines, 2015. Collection method: clinical testing. Allele origin: germline.
Comment: The PKD2 c.2585C>T variant is predicted to result in the amino acid substitution p.Ala862Val. To our knowledge, this variant has not been reported in the literature. This variant is reported in 0.0058% of alleles in individuals of Latino descent in gnomAD. At this time, the clinical significance of this variant is uncertain due to the absence of conclusive functional and genetic evidence.

Ambry Genetics
Classification: Uncertain significance for Inborn genetic diseases. Last evaluated: 2025-06-19. Review status: criteria provided, single submitter. Criteria: Ambry Variant Classification Scheme 2023. Collection method: clinical testing. Allele origin: germline.

Labcorp Genetics (formerly Invitae), Labcorp
Classification: Uncertain significance for Autosomal dominant polycystic kidney disease. Last evaluated: 2025-01-23. Review status: criteria provided, single submitter. Criteria: Invitae Variant Classification Sherloc (09022015). Collection method: clinical testing. Allele origin: germline.
Comment: This sequence change replaces alanine, which is neutral and non-polar, with valine, which is neutral and non-polar, at codon 862 of the PKD2 protein (p.Ala862Val). This variant is present in population databases (rs767919784, gnomAD 0.006%). This variant has not been reported in the literature in individuals affected with PKD2-related conditions. ClinVar contains an entry for this variant (Variation ID: 1365712). Invitae Evidence Modeling of protein sequence and biophysical properties (such as structural, functional, and spatial information, amino acid conservation, physicochemical variation, residue mobility, and thermodynamic stability) indicates that this missense variant is not expected to disrupt PKD2 protein function with a negative predictive value of 80%. In summary, the available evidence is currently insufficient to determine the role of this variant in disease. Therefore, it has been classified as a Variant of Uncertain Significance.

Fulgent Genetics
Classification: Uncertain significance for Polycystic kidney disease 2. Last evaluated: 2024-06-12. Review status: criteria provided, single submitter. Criteria: ACMG Guidelines, 2015. Collection method: clinical testing. Allele origin: germline.